The following is an entry in ClinVar:

NM_001364905.1(LRBA):c.5527del (p.Cys1843fs)

Gene: LRBA (LPS responsive beige-like anchor protein; minus strand). Cytogenetic location: 4q31.3.
Variant type: Deletion.
Coding change: c.5527del on transcript NM_001364905.1 (MANE Select); coding-DNA position 5527, one base deleted (T; older notation c.5527delT).
Protein change: p.Cys1843fs; shifts the reading frame from cysteine 1843.
Molecular consequence: frameshift variant.
Genome position (GRCh38, 1-based): chr4:150,798,134, A deleted on the plus strand (T on the coding strand, the reverse complement: LRBA is on the minus strand); the first of 3 consecutive A bases (chr4:150,798,134-150,798,136); deleting any one gives the same sequence. VCF-style (leftmost placement, unchanged base first): chr4-150798133-CA-C. GRCh37 (hg19) VCF-style: chr4-151719285-CA-C.
Other names: c.5527del, p.Cys1843fs (NM_001199282.3, NM_001367550.1, NM_001440430.1 and 2 more transcripts); short protein forms C1843fs.
Identifiers: ClinVar variation 4750123 (VCV004750123.1).

ClinVar aggregate classification (germline): Pathogenic (1 of 4 stars; one submission).

Conditions:
Combined immunodeficiency due to LRBA deficiency. Also called: Common variable immunodeficiency 8, with autoimmunity. Identifiers: Orphanet 445018, MedGen C3553512, MONDO:0013863, OMIM 614700.

Submission:

Labcorp Genetics (formerly Invitae), Labcorp
Classification: Pathogenic for Combined immunodeficiency due to LRBA deficiency. Last evaluated: 2025-07-10. Review status: criteria provided, single submitter. Criteria: Invitae Variant Classification Sherloc (09022015). Collection method: clinical testing. Allele origin: germline.
Comment: This sequence change creates a premature translational stop signal (p.Cys1843Alafs*2) in the LRBA gene. It is expected to result in an absent or disrupted protein product. Loss-of-function variants in LRBA are known to be pathogenic (PMID: 26206937, 26768763). This variant is not present in population databases (gnomAD no frequency). This premature translational stop signal has been observed in individual(s) with LRBA deficiency (PMID: 31432443). For these reasons, this variant has been classified as Pathogenic.

Literature cited by the submitters: PubMed 26206937; PubMed 26768763; PubMed 31432443.